The following is an entry in ClinVar:

ClinVar aggregate classification (germline): Uncertain significance (0 of 4 stars; one submission).

Conditions:
USH2A-related disorder. Also called: USH2A-related disorders; USH2A-related condition. Identifiers: MedGen CN239332.

Submission:

PreventionGenetics, part of Exact Sciences
Classification: Uncertain significance for USH2A-related condition. Last evaluated: 2024-08-23. Review status: no assertion criteria provided. Collection method: clinical testing. Allele origin: germline.
Comment: The USH2A c.13746A>G variant is predicted to result in the amino acid substitution p.Ile4582Met. To our knowledge, this variant has not been reported in the literature or in a large population database, indicating this variant is rare. At this time, the clinical significance of this variant is uncertain due to the absence of conclusive functional and genetic evidence.

NM_206933.4(USH2A):c.13746A>G (p.Ile4582Met)

Gene: USH2A (usherin; minus strand). Cytogenetic location: 1q41.
Variant type: single nucleotide variant.
Coding change: c.13746A>G on transcript NM_206933.4 (MANE Select); coding-DNA position 13746, A replaced by G.
Protein change: p.Ile4582Met; replaces isoleucine 4582 with methionine.
Molecular consequence: missense variant.
Genome position (GRCh38, 1-based): chr1:215,674,165, T>C on the plus strand (A>G on the coding strand, the complement: USH2A is on the minus strand). VCF-style: chr1-215674165-T-C. GRCh37 (hg19) VCF-style: chr1-215847507-T-C.
Other names: short protein forms I4582M.
Identifiers: ClinVar variation 3347893 (VCV003347893.1).
Genomic context (GRCh38, chr1:215,674,165, plus strand): 5'-AAATGGCTTCAGCTGGTTTACTATATATGACTGCATACCAAAAGAATTATGAGTTGTGTT[T>C]ATGTGTATGATTTTAGTTTCTCTTTCAAATAGTTCACGGATGAAGAGGGTATAATTGATG-3'
Protein context (NP_996816.3, residues 4572-4592): LFERETKIIH[Ile4582Met]NTTHNSFGMQ